The following is an entry in ClinVar:

NM_001298.3(CNGA3):c.385A>T (p.Arg129Ter)

Gene: CNGA3 (cyclic nucleotide gated channel subunit alpha 3; plus strand). Cytogenetic location: 2q11.2.
Variant type: single nucleotide variant.
Coding change: c.385A>T on transcript NM_001298.3 (MANE Select); coding-DNA position 385, A replaced by T.
Protein change: p.Arg129Ter; replaces arginine 129 with a stop codon.
Molecular consequence: nonsense.
Genome position (GRCh38, 1-based): chr2:98,380,344, A>T. VCF-style: chr2-98380344-A-T. GRCh37 (hg19) VCF-style: chr2-98996807-A-T.
Other names: c.385A>T, p.Arg129Ter (NM_001079878.2); short protein forms R129*.
Identifiers: ClinVar variation 3361933 (VCV003361933.3).

ClinVar aggregate classification (germline): Pathogenic. Review status: criteria provided, multiple submitters, no conflicts (2 of 4 stars). 2 submissions from 2 submitters: Pathogenic (2). Last evaluated 2024-12-28.

gnomAD v4.1: 1 of 1,614,090 alleles (0.000062%); highest among the groups gnomAD compares: African/African-American, 0.0013%; no homozygotes.

Submissions (2):

Labcorp Genetics (formerly Invitae), Labcorp
Classification: Pathogenic. Last evaluated: 2024-12-28. Review status: criteria provided, single submitter. Criteria: Invitae Variant Classification Sherloc (09022015). Collection method: clinical testing. Allele origin: germline.
Comment: This sequence change creates a premature translational stop signal (p.Arg129*) in the CNGA3 gene. It is expected to result in an absent or disrupted protein product. Loss-of-function variants in CNGA3 are known to be pathogenic (PMID: 14757870, 24903488, 25637600). This variant is present in population databases (no rsID available, gnomAD 0.007%). This variant has not been reported in the literature in individuals affected with CNGA3-related conditions. For these reasons, this variant has been classified as Pathogenic.

GeneDx
Classification: Pathogenic. Last evaluated: 2024-04-02. Review status: criteria provided, single submitter. Criteria: GeneDx Variant Classification Process June 2021. Collection method: clinical testing. Allele origin: germline. Affected: yes.
Comment: Variant previously reported in the published literature in association with inherited retinal dystrophy, but no patient-specific information was provided (PMID: 31964843); Nonsense variant predicted to result in protein truncation or nonsense mediated decay in a gene for which loss of function is a known mechanism of disease; Not observed at significant frequency in large population cohorts (gnomAD); This variant is associated with the following publications: (PMID: 31964843)

Literature cited by the submitters: PubMed 14757870 (cited by Labcorp Genetics (formerly Invitae), Labcorp); PubMed 24903488 (cited by Labcorp Genetics (formerly Invitae), Labcorp); PubMed 25637600 (cited by Labcorp Genetics (formerly Invitae), Labcorp).